The following is an entry in ClinVar:

ClinVar aggregate classification (germline): Uncertain significance (1 of 4 stars; one submission).

Conditions:
Cone-rod dystrophy 6 (CORD6). Also called: RETINAL CONE DYSTROPHY 2; Cone dystrophy progressive. Identifiers: Orphanet 1872, MedGen C1866293, MONDO:0011143, OMIM 601777.
Leber congenital amaurosis 1 (LCA1). Also called: RETINAL BLINDNESS, CONGENITAL; AMAUROSIS CONGENITA OF LEBER I; Congenital absence of the rods and cones; Leber's congenital tapetoretinal degeneration; Leber's congenital tapetoretinal dysplasia. Identifiers: Orphanet 65, MedGen C2931258, MONDO:0008764, OMIM 204000.

Submission:

Labcorp Genetics (formerly Invitae), Labcorp
Classification: Uncertain significance for Leber congenital amaurosis 1; Cone-rod dystrophy 6. Last evaluated: 2022-10-13. Review status: criteria provided, single submitter. Criteria: Invitae Variant Classification Sherloc (09022015). Collection method: clinical testing. Allele origin: germline.
Comment: This sequence change falls in intron 5 of the GUCY2D gene. It does not directly change the encoded amino acid sequence of the GUCY2D protein. It affects a nucleotide within the consensus splice site. This variant is not present in population databases (gnomAD no frequency). This variant has not been reported in the literature in individuals affected with GUCY2D-related conditions. Variants that disrupt the consensus splice site are a relatively common cause of aberrant splicing (PMID: 17576681, 9536098). Algorithms developed to predict the effect of sequence changes on RNA splicing suggest that this variant may disrupt the consensus splice site. In summary, the available evidence is currently insufficient to determine the role of this variant in disease. Therefore, it has been classified as a Variant of Uncertain Significance.

Literature cited by the submitters: PubMed 17576681; PubMed 9536098.

NM_000180.4(GUCY2D):c.1464-3C>G

Gene: GUCY2D (guanylate cyclase 2D, retinal; plus strand). Cytogenetic location: 17p13.1.
Variant type: single nucleotide variant.
Coding change: c.1464-3C>G on transcript NM_000180.4 (MANE Select); 3 bases into the intron before coding-DNA position 1464, C replaced by G.
Molecular consequence: intron variant.
Genome position (GRCh38, 1-based): chr17:8,007,423, C>G. VCF-style: chr17-8007423-C-G. GRCh37 (hg19) VCF-style: chr17-7910741-C-G.
Identifiers: ClinVar variation 2042665 (VCV002042665.1), dbSNP rs2545421274, ClinGen allele CA2580094950.
Genomic context (GRCh38, chr17:8,007,423, plus strand): 5'-CCCTGCTGGTCTCTTCTGACGGAACTTGGTGCCCTTGGTGGAGGTGACCTCTTTCTCCAC[C>G]AGGCACCGGCTACTTCACATGCAAATGGTCTCCGGCCCCAACAAGATCATCCTGACCGTG-3'